The following is an entry in ClinVar:

ClinVar aggregate classification (germline): Benign (1 of 4 stars; one submission).

Submission:

GeneDx
Classification: Benign. Last evaluated: 2014-06-24. Review status: criteria provided, single submitter. Criteria: GeneDx Variant Classification (06012015). Collection method: clinical testing. Allele origin: germline. Affected: yes.
Comment: This variant is considered likely benign or benign based on one or more of the following criteria: it is a conservative change, it occurs at a poorly conserved position in the protein, it is predicted to be benign by multiple in silico algorithms, and/or has population frequency not consistent with disease.

NM_001330078.2(NRXN1):c.-28A>C

Gene: NRXN1 (neurexin 1; minus strand). Cytogenetic location: 2p16.3.
Variant type: single nucleotide variant.
Coding change: c.-28A>C on transcript NM_001330078.2 (MANE Select); 28 bases upstream of the start codon, A replaced by C.
Molecular consequence: 5 prime UTR variant.
Genome position (GRCh38, 1-based): chr2:51,028,301, T>G on the plus strand (A>C on the coding strand, the complement: NRXN1 is on the minus strand). VCF-style: chr2-51028301-T-G. GRCh37 (hg19) VCF-style: chr2-51255439-T-G.
Other names: c.-28A>C (NM_001135659.3, NM_001330077.2, NM_001330079.2 and 15 more transcripts).
Identifiers: ClinVar variation 206199 (VCV000206199.1), dbSNP rs796052760, ClinGen allele CA316052.